The following is an entry in ClinVar:

NM_004415.4(DSP):c.1575-7C>T

Gene: DSP (desmoplakin; plus strand). Cytogenetic location: 6p24.3.
Variant type: single nucleotide variant.
Coding change: c.1575-7C>T on transcript NM_004415.4 (MANE Select); 7 bases into the intron before coding-DNA position 1575, C replaced by T.
Molecular consequence: intron variant.
Genome position (GRCh38, 1-based): chr6:7,570,430, C>T. VCF-style: chr6-7570430-C-T. GRCh37 (hg19) VCF-style: chr6-7570663-C-T.
Other names: c.1575-7C>T (NM_001319034.2, NM_001008844.3, NM_004415.3).
Identifiers: ClinVar variation 924396 (VCV000924396.12), dbSNP rs1203683996, ClinGen allele CA565104247.

ClinVar aggregate classification (germline): Benign/Likely benign. Review status: criteria provided, multiple submitters, no conflicts (2 of 4 stars). 4 submissions from 4 submitters: Benign (1); Likely benign (3). Last evaluated 2025-08-28.

Conditions:
Cardiomyopathy (CMYO). Also called: Cardiomyopathies. Identifiers: Orphanet 167848, MedGen C0878544, MONDO:0004994, HP:0001638. Inheritance: Various modes of inheritance.
Arrhythmogenic cardiomyopathy with wooly hair and keratoderma. Also called: PALMOPLANTAR KERATODERMA WITH LEFT VENTRICULAR CARDIOMYOPATHY AND WOOLLY HAIR; Carvajal syndrome; Dilated cardiomyopathy with woolly hair and keratoderma; Arrhythmogenic cardiomyopathy with woolly hair and keratoderma. Identifiers: Orphanet 65282, MedGen C1854063, MONDO:0011581, OMIM 605676.
Arrhythmogenic right ventricular dysplasia 8 (ARVD8). Also called: Arrhythmogenic Right Ventricular Dysplasia/Cardiomyopathy 8; ARRHYTHMOGENIC RIGHT VENTRICULAR CARDIOMYOPATHY 8; ARRHYTHMOGENIC RIGHT VENTRICULAR DYSPLASIA, FAMILIAL, 8. Identifiers: MedGen C1843896, MONDO:0011831, OMIM 607450.
DSP-related disorder. Also called: DSP-related condition; DSP-related disorders.

Allele frequency attached by ClinVar (database versions not stated): gnomAD exomes 0.00001 and 0.00002; TOPMed 0.00001.
gnomAD v4.1: 25 of 1,614,074 alleles (0.0015%); highest among the groups gnomAD compares: Non-Finnish European, 0.0021%; no homozygotes.

Submissions (4):

Labcorp Genetics (formerly Invitae), Labcorp
Classification: Likely benign for Arrhythmogenic cardiomyopathy with wooly hair and keratoderma; Arrhythmogenic right ventricular dysplasia 8. Last evaluated: 2025-08-28. Review status: criteria provided, single submitter. Criteria: Invitae Variant Classification Sherloc (09022015). Collection method: clinical testing. Allele origin: germline.

PreventionGenetics, part of Exact Sciences
Classification: Likely benign for DSP-related condition. Last evaluated: 2025-06-18. Review status: criteria provided, single submitter. Criteria: ACMG Guidelines, 2015. Collection method: clinical testing. Allele origin: germline.
Comment: This variant is classified as likely benign based on ACMG/AMP sequence variant interpretation guidelines (Richards et al. 2015 PMID: 25741868, with internal and published modifications).

Color Diagnostics, LLC DBA Color Health
Classification: Likely benign for Cardiomyopathy. Last evaluated: 2019-12-29. Review status: criteria provided, single submitter. Criteria: ACMG Guidelines, 2015. Collection method: clinical testing. Allele origin: germline.

GeneDx
Classification: Benign. Last evaluated: 2017-08-08. Review status: criteria provided, single submitter. Criteria: GeneDx Variant Classification Process June 2021. Collection method: clinical testing. Allele origin: germline. Affected: yes.